The following is an entry in ClinVar:

NM_020949.3(SLC7A14):c.445G>A (p.Ala149Thr)

Genes: SLC7A14 (solute carrier family 7 member 14; minus strand), SLC7A14-AS1 (SLC7A14 antisense RNA 1; plus strand). Cytogenetic location: 3q26.2.
Variant type: single nucleotide variant.
Coding change: c.445G>A on transcript NM_020949.3 (MANE Select); coding-DNA position 445, G replaced by A.
Protein change: p.Ala149Thr; replaces alanine 149 with threonine.
Molecular consequence: missense variant.
Genome position (GRCh38, 1-based): chr3:170,501,205, C>T on the plus strand (G>A on the coding strand, the complement: SLC7A14 is on the minus strand). VCF-style: chr3-170501205-C-T. GRCh37 (hg19) VCF-style: chr3-170218994-C-T.
Other names: short protein forms A149T.
Identifiers: ClinVar variation 1935704 (VCV001935704.6), dbSNP rs1387220578, ClinGen allele CA355517129.

ClinVar aggregate classification (germline): Uncertain significance. Review status: criteria provided, multiple submitters, no conflicts (2 of 4 stars). 2 submissions from 2 submitters: Uncertain significance (2). Last evaluated 2023-07-17.

Allele frequency attached by ClinVar (database versions not stated): TOPMed 0.00001.
gnomAD v4.1: 1 of 1,614,208 alleles (0.000062%); highest among the groups gnomAD compares: African/African-American, 0.0013%; no homozygotes.

Submissions (2):

Labcorp Genetics (formerly Invitae), Labcorp
Classification: Uncertain significance. Last evaluated: 2023-07-17. Review status: criteria provided, single submitter. Criteria: Invitae Variant Classification Sherloc (09022015). Collection method: clinical testing. Allele origin: germline.
Comment: This sequence change replaces alanine, which is neutral and non-polar, with threonine, which is neutral and polar, at codon 149 of the SLC7A14 protein (p.Ala149Thr). In summary, the available evidence is currently insufficient to determine the role of this variant in disease. Therefore, it has been classified as a Variant of Uncertain Significance. An algorithm developed to predict the effect of missense changes on protein structure and function (PolyPhen-2) suggests that this variant is likely to be disruptive. ClinVar contains an entry for this variant (Variation ID: 1935704). This variant has not been reported in the literature in individuals affected with SLC7A14-related conditions. This variant is present in population databases (no rsID available, gnomAD 0.007%).

Blueprint Genetics
Classification: Uncertain significance. Last evaluated: 2021-12-14. Review status: criteria provided, single submitter. Criteria: ACMG Guidelines, 2015. Collection method: clinical testing. Allele origin: germline.